The following is an entry in ClinVar:

ClinVar aggregate classification (germline): Uncertain significance (1 of 4 stars; one submission).

Conditions:
Familial steroid-resistant nephrotic syndrome with sensorineural deafness. Identifiers: Orphanet 280406, MedGen C3553349, MONDO:0013836, OMIM 614650.

Allele frequency attached by ClinVar (database versions not stated): TOPMed below 0.00001.
gnomAD v4.1: 8 of 1,614,068 alleles (0.0005%); highest among the groups gnomAD compares: East Asian, 0.0067%; no homozygotes.

Submission:

3billion
Classification: Uncertain significance for Familial steroid-resistant nephrotic syndrome with sensorineural deafness. Last evaluated: 2022-01-03. Review status: criteria provided, single submitter. Criteria: ACMG Guidelines, 2015. Collection method: clinical testing. Allele origin: germline. Affected: yes. Observed: 1 homozygote.
Comment: The variant is observed at an extremely low frequency in the gnomAD v2.1.1 dataset (total allele frequency: 0.000004, PM2_M). In silico tool predictions suggest damaging effect of the variant on gene or gene product (REVEL: 0.672, 3CNET: 0.98, PP3_P). Therefore, this variant is classified as uncertain significance according to the recommendation of ACMG/AMP guideline.

NM_182476.3(COQ6):c.643C>T (p.Arg215Trp)

Genes: COQ6 (coenzyme Q6, monooxygenase; plus strand), ENTPD5 (ectonucleoside triphosphate diphosphohydrolase 5; minus strand). Cytogenetic location: 14q24.3.
Variant type: single nucleotide variant.
Coding change: c.643C>T on transcript NM_182476.3 (MANE Select); coding-DNA position 643, C replaced by T.
Protein change: p.Arg215Trp; replaces arginine 215 with tryptophan.
Molecular consequence: missense variant. On other transcripts: 3 prime UTR variant (3), intron variant (2).
Genome position (GRCh38, 1-based): chr14:73,959,001, C>T. VCF-style: chr14-73959001-C-T. GRCh37 (hg19) VCF-style: chr14-74425704-C-T.
Other names: c.643C>T, p.Arg215Trp (NM_001425255.1, NM_001425256.1); c.478C>T, p.Arg160Trp (NM_001425257.1); c.568C>T, p.Arg190Trp (NM_001425258.1, NM_182480.3); c.418C>T, p.Arg140Trp (NM_001425259.1, NM_001425260.1, NM_001425261.1); c.388C>T, p.Arg130Trp (NM_001425262.1); c.316C>T, p.Arg106Trp (NM_001425263.1); c.103C>T, p.Arg35Trp (NM_001425264.1, NM_001425265.1); c.*529G>A (NM_001330189.2, NM_001382259.1, NM_001382260.1); and 2 more; short protein forms R190W, R215W.
Identifiers: ClinVar variation 1333560 (VCV001333560.3), dbSNP rs769890899, ClinGen allele CA390375372.